The following is an entry in ClinVar:

NM_020207.7(ERCC6L2):c.1457T>C (p.Phe486Ser)

Gene: ERCC6L2 (ERCC excision repair 6 like 2; plus strand). Cytogenetic location: 9q22.32.
Variant type: single nucleotide variant.
Coding change: c.1457T>C on transcript NM_020207.7 (MANE Select); coding-DNA position 1457, T replaced by C.
Protein change: p.Phe486Ser; replaces phenylalanine 486 with serine.
Molecular consequence: missense variant. On other transcripts: non-coding transcript variant (1).
Genome position (GRCh38, 1-based): chr9:95,923,303, T>C. VCF-style: chr9-95923303-T-C. GRCh37 (hg19) VCF-style: chr9-98685585-T-C.
Other names: c.1457T>C, p.Phe486Ser (NM_001010895.4, NM_001375291.1, NM_001375292.1 and 2 more transcripts); short protein forms F486S.
Identifiers: ClinVar variation 4019242 (VCV004019242.1).
Genomic context (GRCh38, chr9:95,923,303, plus strand): 5'-TGCCTTTTCCCTTCAAGGAAACACTTATCAAAAGGATATGTGATCAGGTATTTTCCAGAT[T>C]CCCAGATTTTGTGCAGAAAAGCAAAGATGCAGCCTTTGAAACACTTTCTGACCCTAAATA-3'
Protein context (NP_064592.3, residues 476-496): KRICDQVFSR[Phe486Ser]PDFVQKSKDA

ClinVar aggregate classification (germline): Uncertain significance (1 of 4 stars; one submission).

Conditions:
Inborn genetic diseases. Identifiers: MedGen C0950123, MeSH D030342.

Submission:

Ambry Genetics
Classification: Uncertain significance for Inborn genetic diseases. Last evaluated: 2025-03-16. Review status: criteria provided, single submitter. Criteria: Ambry Variant Classification Scheme 2023. Collection method: clinical testing. Allele origin: germline.
Comment: The p.F486S variant (also known as c.1457T>C), located in coding exon 9 of the ERCC6L2 gene, results from a T to C substitution at nucleotide position 1457. The phenylalanine at codon 486 is replaced by serine, an amino acid with highly dissimilar properties. This amino acid position is conserved. In addition, the in silico prediction for this alteration is inconclusive. Based on the available evidence, the clinical significance of this variant remains unclear.